The following is an entry in ClinVar:

NM_080424.4(SP110):c.1612G>A (p.Glu538Lys)

Gene: SP110 (SP110 nuclear body protein; minus strand). Cytogenetic location: 2q37.1.
Variant type: single nucleotide variant.
Coding change: c.1612G>A on transcript NM_080424.4 (MANE Select); coding-DNA position 1612, G replaced by A.
Protein change: p.Glu538Lys; replaces glutamic acid 538 with lysine.
Molecular consequence: missense variant.
Genome position (GRCh38, 1-based): chr2:230,172,938, C>T on the plus strand (G>A on the coding strand, the complement: SP110 is on the minus strand). VCF-style: chr2-230172938-C-T. GRCh37 (hg19) VCF-style: chr2-231037654-C-T.
Other names: c.1630G>A, p.Glu544Lys (NM_001378442.1, NM_001378444.1, NM_001378445.1 and 1 more transcripts); c.1612G>A, p.Glu538Lys (NM_001378443.1, NM_004509.5); short protein forms E538K, E544K.
Identifiers: ClinVar variation 579573 (VCV000579573.12), dbSNP rs149682257, ClinGen allele CA2154403.

ClinVar aggregate classification (germline): Uncertain significance. Review status: criteria provided, multiple submitters, no conflicts (2 of 4 stars). 4 submissions from 4 submitters: Uncertain significance (4). Last evaluated 2025-01-30.

Conditions:
Hepatic veno-occlusive disease-immunodeficiency syndrome. Also called: Hepatic Veno-Occlusive Disease with Immunodeficiency. Identifiers: Orphanet 79124, MedGen C1856128, MONDO:0009338, OMIM 235550. Disease mechanism: loss of function.

Allele frequency attached by ClinVar (database versions not stated): 1000 Genomes Project 30x 0.00016; 1000 Genomes Project 0.00020; gnomAD exomes 0.00025 and 0.00051; TOPMed 0.00025; ExAC 0.00026; gnomAD 0.00031 and 0.00032; ESP Exome Variant Server 0.00046.
gnomAD v4.1: 809 of 1,613,938 alleles (0.05%); highest among the groups gnomAD compares: Non-Finnish European, 0.064%; no homozygotes.

Submissions (4):

Labcorp Genetics (formerly Invitae), Labcorp
Classification: Uncertain significance for Hepatic veno-occlusive disease-immunodeficiency syndrome. Last evaluated: 2025-01-30. Review status: criteria provided, single submitter. Criteria: Invitae Variant Classification Sherloc (09022015). Collection method: clinical testing. Allele origin: germline.
Comment: This sequence change replaces glutamic acid, which is acidic and polar, with lysine, which is basic and polar, at codon 538 of the SP110 protein (p.Glu538Lys). This variant is present in population databases (rs149682257, gnomAD 0.05%). This variant has not been reported in the literature in individuals affected with SP110-related conditions. ClinVar contains an entry for this variant (Variation ID: 579573). An algorithm developed to predict the effect of missense changes on protein structure and function outputs the following: PolyPhen-2: "Benign". The lysine amino acid residue is found in multiple mammalian species, which suggests that this missense change does not adversely affect protein function. In summary, the available evidence is currently insufficient to determine the role of this variant in disease. Therefore, it has been classified as a Variant of Uncertain Significance.

Blueprint Genetics
Classification: Uncertain significance. Last evaluated: 2024-10-15. Review status: criteria provided, single submitter. Criteria: ACMG Guidelines, 2015. Collection method: clinical testing. Allele origin: germline.

Illumina Laboratory Services, Illumina
Classification: Uncertain significance for Hepatic veno-occlusive disease-immunodeficiency syndrome. Last evaluated: 2018-01-13. Review status: criteria provided, single submitter. Criteria: ICSL Variant Classification Criteria 13 December 2019. Collection method: clinical testing. Allele origin: germline.

Breakthrough Genomics
Classification: Uncertain significance. Review status: criteria provided, single submitter. Criteria: ACMG Guidelines, 2015. Collection method: not provided. Allele origin: germline. Inheritance: Autosomal recessive inheritance. Affected: yes.